The following is an entry in ClinVar:

ClinVar aggregate classification (germline): Uncertain significance (1 of 4 stars; one submission).

gnomAD v4.1: 4 of 1,613,868 alleles (0.00025%); highest among the groups gnomAD compares: Admixed American, 0.005%; no homozygotes.

Submission:

Labcorp Genetics (formerly Invitae), Labcorp
Classification: Uncertain significance. Last evaluated: 2022-07-16. Review status: criteria provided, single submitter. Criteria: Invitae Variant Classification Sherloc (09022015). Collection method: clinical testing. Allele origin: germline.
Comment: In summary, the available evidence is currently insufficient to determine the role of this variant in disease. Therefore, it has been classified as a Variant of Uncertain Significance. Algorithms developed to predict the effect of missense changes on protein structure and function are either unavailable or do not agree on the potential impact of this missense change (SIFT: "Deleterious"; PolyPhen-2: "Probably Damaging"; Align-GVGD: "Class C0"). This variant has not been reported in the literature in individuals affected with SCNN1B-related conditions. This variant is not present in population databases (gnomAD no frequency). This sequence change replaces proline, which is neutral and non-polar, with leucine, which is neutral and non-polar, at codon 576 of the SCNN1B protein (p.Pro576Leu).

NM_000336.3(SCNN1B):c.1727C>T (p.Pro576Leu)

Gene: SCNN1B (sodium channel epithelial 1 subunit beta; plus strand). Cytogenetic location: 16p12.2.
Variant type: single nucleotide variant.
Coding change: c.1727C>T on transcript NM_000336.3 (MANE Select); coding-DNA position 1727, C replaced by T.
Protein change: p.Pro576Leu; replaces proline 576 with leucine.
Molecular consequence: missense variant.
Genome position (GRCh38, 1-based): chr16:23,380,605, C>T. VCF-style: chr16-23380605-C-T. GRCh37 (hg19) VCF-style: chr16-23391926-C-T.
Other names: c.1619C>T, p.Pro540Leu (NM_001410900.1); short protein forms P540L, P576L.
Identifiers: ClinVar variation 1913909 (VCV001913909.5), dbSNP rs1344447754, ClinGen allele CA395113678.